The following is an entry in ClinVar:

ClinVar aggregate classification (germline): Likely benign (1 of 4 stars; one submission).

Allele frequency attached by ClinVar (database versions not stated): gnomAD 0.00001; TOPMed 0.00002.
gnomAD v4.1: 1 of 1,614,058 alleles (0.000062%); highest among the groups gnomAD compares: Non-Finnish European, 0.000085%; no homozygotes.

Submission:

CeGaT Center for Human Genetics Tuebingen
Classification: Likely benign. Last evaluated: 2025-01-01. Review status: criteria provided, single submitter. Criteria: CeGaT Center For Human Genetics Tuebingen Variant Classification Criteria Version 2. Collection method: clinical testing. Allele origin: germline. Affected: yes. Observed: 2 variant alleles.
Comment: CREBBP: BP4, BP7

NM_004380.3(CREBBP):c.2097A>G (p.Gln699=)

Gene: CREBBP (CREB binding lysine acetyltransferase; minus strand). Cytogenetic location: 16p13.3.
Variant type: single nucleotide variant.
Coding change: c.2097A>G on transcript NM_004380.3 (MANE Select); coding-DNA position 2097, A replaced by G.
Protein change: p.Gln699=; no amino-acid change (glutamine 699 retained).
Molecular consequence: synonymous variant.
Genome position (GRCh38, 1-based): chr16:3,778,027, T>C on the plus strand (A>G on the coding strand, the complement: CREBBP is on the minus strand). VCF-style: chr16-3778027-T-C. GRCh37 (hg19) VCF-style: chr16-3828028-T-C.
Other names: c.1983A>G, p.Gln661= (NM_001079846.1).
Identifiers: ClinVar variation 3026613 (VCV003026613.22), dbSNP rs887083653, ClinGen allele CA276973383.
Genomic context (GRCh38, chr16:3,778,027, plus strand): 5'-AAGGAAACAGGCTAAGGGATGGCAGTAGGAAATAAAATCCTTACTTGGAGGTCTCACAGG[T>C]TGTGCCTGTGGAATCACAGGGGGCTGAGCCCCCGGGGCTGGTAAGGCTGGCTGGTTCCCC-3'
Protein context (NP_004371.2, residues 689-709): GAQPPVIPQA[Gln699=]PVRPPNGPLS